The following is an entry in ClinVar:

NM_001607.4(ACAA1):c.516G>C (p.Glu172Asp)

Gene: ACAA1 (acetyl-CoA acyltransferase 1; minus strand). Cytogenetic location: 3p22.2.
Variant type: single nucleotide variant.
Coding change: c.516G>C on transcript NM_001607.4 (MANE Select); coding-DNA position 516, G replaced by C.
Protein change: p.Glu172Asp; replaces glutamic acid 172 with aspartic acid.
Molecular consequence: missense variant. On other transcripts: non-coding transcript variant (1), intron variant (1).
Genome position (GRCh38, 1-based): chr3:38,129,319, C>G on the plus strand (G>C on the coding strand, the complement: ACAA1 is on the minus strand). VCF-style: chr3-38129319-C-G. GRCh37 (hg19) VCF-style: chr3-38170810-C-G.
Other names: c.447-1453G>C (NM_001130410.2); short protein forms E172D.
Identifiers: ClinVar variation 1277354 (VCV001277354.4), dbSNP rs156265, ClinGen allele CA2315779.

ClinVar aggregate classification (germline): Benign. Review status: criteria provided, multiple submitters, no conflicts (2 of 4 stars). 3 submissions from 3 submitters: Benign (2). 1 of the submissions does not count toward it. Last evaluated 2020-07-15.

Conditions:
ACAA1-related disorder. Also called: ACAA1-related condition.

Allele frequency attached by ClinVar (database versions not stated): ESP Exome Variant Server 0.11203; 1000 Genomes Project 30x 0.13273; 1000 Genomes Project 0.13678.
gnomAD v4.1: 232,437 of 1,613,526 alleles (14%); highest among the groups gnomAD compares: East Asian, 33%; 18,930 homozygotes.

Submissions (3):

GeneDx
Classification: Benign. Last evaluated: 2020-07-15. Review status: criteria provided, single submitter. Criteria: GeneDx Variant Classification Process June 2021. Collection method: clinical testing. Allele origin: germline. Affected: yes.
Comment: This variant is associated with the following publications: (PMID: 22151743)

Breakthrough Genomics
Classification: Benign. Review status: criteria provided, single submitter. Criteria: ACMG Guidelines, 2015. Collection method: not provided. Allele origin: germline. Inheritance: Unknown mechanism. Affected: yes.

PreventionGenetics, part of Exact Sciences
Classification: Benign for ACAA1-related condition. Last evaluated: 2019-10-21. Review status: no assertion criteria provided. Collection method: clinical testing. Allele origin: germline. Not counted in ClinVar's aggregate classification.
Comment: This variant is classified as benign based on ACMG/AMP sequence variant interpretation guidelines (Richards et al. 2015 PMID: 25741868, with internal and published modifications).